The following is an entry in ClinVar:

NM_004304.5(ALK):c.1990C>A (p.Leu664Met)

Gene: ALK (ALK receptor tyrosine kinase; minus strand). Cytogenetic location: 2p23.2.
Variant type: single nucleotide variant.
Coding change: c.1990C>A on transcript NM_004304.5 (MANE Select); coding-DNA position 1990, C replaced by A.
Protein change: p.Leu664Met; replaces leucine 664 with methionine.
Molecular consequence: missense variant.
Genome position (GRCh38, 1-based): chr2:29,275,150, G>T on the plus strand (C>A on the coding strand, the complement: ALK is on the minus strand). VCF-style: chr2-29275150-G-T. GRCh37 (hg19) VCF-style: chr2-29498016-G-T.
Other names: c.1990C>A (NM_004304.4); short protein forms L664M.
Identifiers: ClinVar variation 2170016 (VCV002170016.6), dbSNP rs2148215050, ClinGen allele CA346479667.
Genomic context (GRCh38, chr2:29,275,150, plus strand): 5'-AACCCTTACCTGTAGGGTCAAAGATGGGGGTCTGTCTTGGTGAATTTTCCCCGGGTTTCA[G>T]CTCCTTGTTTGGGTTTCTCTCAAACAGGTTTCTTGATTTGGGTGCTGTATTCTGCAGGAT-3'
Protein context (NP_004295.2, residues 654-674): NLFERNPNKE[Leu664Met]KPGENSPRQT

ClinVar aggregate classification (germline): Uncertain significance. Review status: criteria provided, multiple submitters, no conflicts (2 of 4 stars). 2 submissions from 2 submitters: Uncertain significance (2). Last evaluated 2023-05-18.

Conditions:
Hereditary cancer-predisposing syndrome. Also called: Neoplastic Syndromes, Hereditary; Hereditary neoplastic syndrome; Hereditary Cancer Syndrome; Tumor predisposition. Identifiers: Orphanet 140162, MedGen C0027672, MeSH D009386, MONDO:0015356.
Neuroblastoma, susceptibility to, 3. Also called: ALK-Related Neuroblastic Tumor Susceptibility. Identifiers: Orphanet 635, MedGen C2751681, MONDO:0013083, OMIM 613014.

Submissions (2):

Labcorp Genetics (formerly Invitae), Labcorp
Classification: Uncertain significance for Neuroblastoma, susceptibility to, 3. Last evaluated: 2023-05-18. Review status: criteria provided, single submitter. Criteria: Invitae Variant Classification Sherloc (09022015). Collection method: clinical testing. Allele origin: germline.
Comment: In summary, the available evidence is currently insufficient to determine the role of this variant in disease. Therefore, it has been classified as a Variant of Uncertain Significance. Algorithms developed to predict the effect of missense changes on protein structure and function output the following: SIFT: "Not Available"; PolyPhen-2: "Benign"; Align-GVGD: "Not Available". The methionine amino acid residue is found in multiple mammalian species, which suggests that this missense change does not adversely affect protein function. ClinVar contains an entry for this variant (Variation ID: 2170016). This variant has not been reported in the literature in individuals affected with ALK-related conditions. This variant is not present in population databases (gnomAD no frequency). This sequence change replaces leucine, which is neutral and non-polar, with methionine, which is neutral and non-polar, at codon 664 of the ALK protein (p.Leu664Met).

Ambry Genetics
Classification: Uncertain significance for Hereditary cancer-predisposing syndrome. Last evaluated: 2023-03-19. Review status: criteria provided, single submitter. Criteria: Ambry Variant Classification Scheme 2023. Collection method: clinical testing. Allele origin: germline.
Comment: The p.L664M variant (also known as c.1990C>A), located in coding exon 11 of the ALK gene, results from a C to A substitution at nucleotide position 1990. The leucine at codon 664 is replaced by methionine, an amino acid with highly similar properties. This amino acid position is conserved. In addition, this alteration is predicted to be tolerated by in silico analysis. Since supporting evidence is limited at this time, the clinical significance of this alteration remains unclear.